The following is an entry in ClinVar:

NM_020975.6(RET):c.1981C>T (p.His661Tyr)

Gene: RET (ret proto-oncogene; plus strand). Cytogenetic location: 10q11.21.
Variant type: single nucleotide variant.
Coding change: c.1981C>T on transcript NM_020975.6 (MANE Select); coding-DNA position 1981, C replaced by T.
Protein change: p.His661Tyr; replaces histidine 661 with tyrosine.
Molecular consequence: missense variant. On other transcripts: intron variant (4).
Genome position (GRCh38, 1-based): chr10:43,114,581, C>T. VCF-style: chr10-43114581-C-T. GRCh37 (hg19) VCF-style: chr10-43610029-C-T.
Other names: c.1981C>T, p.His661Tyr (NM_000323.2, NM_001406743.1, NM_001406744.1 and 4 more transcripts); c.1219C>T, p.His407Tyr (NM_001355216.2); c.1852C>T, p.His618Tyr (NM_001406761.1, NM_001406762.1, NM_001406764.1); c.1693C>T, p.His565Tyr (NM_001406766.1, NM_001406767.1, NM_001406770.1); c.1585C>T, p.His529Tyr (NM_001406769.1, NM_001406772.1); c.1543C>T, p.His515Tyr (NM_001406771.1, NM_001406773.1); c.1456C>T, p.His486Tyr (NM_001406774.1); c.1255C>T, p.His419Tyr (NM_001406775.1, NM_001406776.1, NM_001406777.1 and 1 more transcripts); and 10 more; short protein forms H178Y, H226Y, H266Y, H319Y, H322Y, H331Y, H362Y, H407Y.
Identifiers: ClinVar variation 3227518 (VCV003227518.1), dbSNP rs2132848583, ClinGen allele CA376553068.
Genomic context (GRCh38, chr10:43,114,581, plus strand): 5'-GCTGTCCTCTTCTCCTTCATCGTCTCGGTGCTGCTGTCTGCCTTCTGCATCCACTGCTAC[C>T]ACAAGTTTGCCCACAAGCCACCCATCTCCTCAGCTGAGATGACCTTCCGGAGGCCCGCCC-3'
Protein context (NP_066124.1, residues 651-671): LLSAFCIHCY[His661Tyr]KFAHKPPISS

ClinVar aggregate classification (germline): Uncertain significance (1 of 4 stars; one submission).

Conditions:
Hereditary cancer-predisposing syndrome. Also called: Neoplastic Syndromes, Hereditary; Tumor predisposition; Hereditary neoplastic syndrome; Hereditary Cancer Syndrome. Identifiers: Orphanet 140162, MedGen C0027672, MeSH D009386, MONDO:0015356.

Allele frequency attached by ClinVar (database versions not stated): gnomAD exomes below 0.00001.
gnomAD v4.1: 1 of 1,612,772 alleles (0.000062%); highest among the groups gnomAD compares: Non-Finnish European, 0.000085%; no homozygotes.

Submission:

Ambry Genetics
Classification: Uncertain significance for Hereditary cancer-predisposing syndrome. Last evaluated: 2024-02-22. Review status: criteria provided, single submitter. Criteria: Ambry Variant Classification Scheme 2023. Collection method: clinical testing. Allele origin: germline.
Comment: The p.H661Y variant (also known as c.1981C>T), located in coding exon 11 of the RET gene, results from a C to T substitution at nucleotide position 1981. The histidine at codon 661 is replaced by tyrosine, an amino acid with similar properties. This amino acid position is conserved. In addition, this alteration is predicted to be deleterious by in silico analysis. Based on the available evidence, the clinical significance of this alteration remains unclear.